The following is an entry in ClinVar:

NM_001845.6(COL4A1):c.2453T>C (p.Leu818Ser)

Gene: COL4A1 (collagen type IV alpha 1 chain; minus strand). Cytogenetic location: 13q34.
Variant type: single nucleotide variant.
Coding change: c.2453T>C on transcript NM_001845.6 (MANE Select); coding-DNA position 2453, T replaced by C.
Protein change: p.Leu818Ser; replaces leucine 818 with serine.
Molecular consequence: missense variant.
Genome position (GRCh38, 1-based): chr13:110,178,928, A>G on the plus strand (T>C on the coding strand, the complement: COL4A1 is on the minus strand). VCF-style: chr13-110178928-A-G. GRCh37 (hg19) VCF-style: chr13-110831275-A-G.
Other names: short protein forms L818S.
Identifiers: ClinVar variation 2985339 (VCV002985339.3), dbSNP rs1878013194, ClinGen allele CA388668250.

ClinVar aggregate classification (germline): Uncertain significance (1 of 4 stars; one submission).

Submission:

Labcorp Genetics (formerly Invitae), Labcorp
Classification: Uncertain significance. Last evaluated: 2023-08-31. Review status: criteria provided, single submitter. Criteria: Invitae Variant Classification Sherloc (09022015). Collection method: clinical testing. Allele origin: germline.
Comment: This variant has not been reported in the literature in individuals affected with COL4A1-related conditions. In summary, the available evidence is currently insufficient to determine the role of this variant in disease. Therefore, it has been classified as a Variant of Uncertain Significance. Algorithms developed to predict the effect of missense changes on protein structure and function output the following: SIFT: "Not Available"; PolyPhen-2: "Benign"; Align-GVGD: "Not Available". The serine amino acid residue is found in multiple mammalian species, which suggests that this missense change does not adversely affect protein function. This variant is not present in population databases (gnomAD no frequency). This sequence change replaces leucine, which is neutral and non-polar, with serine, which is neutral and polar, at codon 818 of the COL4A1 protein (p.Leu818Ser).